The following is an entry in ClinVar:

NM_000303.3(PMM2):c.66+1G>T

Gene: PMM2 (phosphomannomutase 2; plus strand). Cytogenetic location: 16p13.2.
Variant type: single nucleotide variant.
Coding change: c.66+1G>T on transcript NM_000303.3 (MANE Select); the canonical splice donor site of the intron after coding-DNA position 66, G replaced by T.
Molecular consequence: splice donor variant.
Genome position (GRCh38, 1-based): chr16:8,797,949, G>T. VCF-style: chr16-8797949-G-T. GRCh37 (hg19) VCF-style: chr16-8891806-G-T.
Identifiers: ClinVar variation 632948 (VCV000632948.20), dbSNP rs937726878, ClinGen allele CA277481415.

ClinVar aggregate classification (germline): Pathogenic/Likely pathogenic. Review status: criteria provided, multiple submitters, no conflicts (2 of 4 stars). 7 submissions from 7 submitters: Pathogenic (2); Likely pathogenic (5). Last evaluated 2025-12-29.

Conditions:
PMM2-related disorder. Also called: PMM2-related condition.
PMM2-congenital disorder of glycosylation. Also called: Congenital disorder of glycosylation, type Ia; PMM2-CDG; JAEKEN SYNDROME; PHOSPHOMANNOMUTASE 2 DEFICIENCY; CARBOHYDRATE-DEFICIENT GLYCOPROTEIN SYNDROME, TYPE Ia; CDG Ia. Identifiers: Orphanet 79318, MedGen C0349653, MONDO:0008907, OMIM 212065.

Allele frequency attached by ClinVar (database versions not stated): gnomAD 0.00001; gnomAD exomes 0.00001; TOPMed 0.00001.
gnomAD v4.1: 17 of 1,601,590 alleles (0.0011%); highest among the groups gnomAD compares: Non-Finnish European, 0.0014%; no homozygotes.

Submissions (7):

Natera, Inc.
Classification: Pathogenic for Congenital disorder of glycosylation type 1a. Last evaluated: 2025-12-29. Review status: criteria provided, single submitter. Criteria: Natera Variant Classification Schema (03/2026). Collection method: clinical testing. Allele origin: germline.
Comment: The c.66+1G>T variant in PMM2 is a canonical splice donor site variant predicted to affect pre-mRNA splicing, which may result in an abnormal transcript and altered protein product. This variant is expected to result in nonsense mediated decay, truncation, or a dysfunctional protein product. This variant is rare in the general population with a frequency below the threshold expected for the associated phenotype(s). This variant has been observed in one or more individuals affected with the associated recessive disease, as either homozygous or compound heterozygous with a second variant (PMID: 20638314, 25497157). Additionally, this variant has been observed to segregate in affected family members (PMID: 20638314). Given the available evidence, this variant is classified as Pathogenic.

Labcorp Genetics (formerly Invitae), Labcorp
Classification: Pathogenic for PMM2-congenital disorder of glycosylation. Last evaluated: 2025-11-12. Review status: criteria provided, single submitter. Criteria: Invitae Variant Classification Sherloc (09022015). Collection method: clinical testing. Allele origin: germline.
Comment: This sequence change affects a donor splice site in intron 1 of the PMM2 gene. It is expected to disrupt RNA splicing. Variants that disrupt the donor or acceptor splice site typically lead to a loss of protein function (PMID: 16199547), and loss-of-function variants in PMM2 are known to be pathogenic (PMID: 19862844). The frequency data for this variant in the population databases is considered unreliable, as metrics indicate poor data quality at this position in the gnomAD database. Disruption of this splice site has been observed in individual(s) with PMM2-congenital disorder of glycosylation (CDG-Ia) (PMID: 15844218, 20638314). In at least one individual the data is consistent with being in trans (on the opposite chromosome) from a pathogenic variant. ClinVar contains an entry for this variant (Variation ID: 632948). Algorithms developed to predict the effect of sequence changes on RNA splicing suggest that this variant may disrupt the consensus splice site. For these reasons, this variant has been classified as Pathogenic.

GeneDx
Classification: Likely pathogenic. Last evaluated: 2025-07-19. Review status: criteria provided, single submitter. Criteria: GeneDx Variant Classification Process June 2021. Collection method: clinical testing. Allele origin: germline. Affected: yes.
Comment: Observed with the p.(P20S) variant on the same allele (in cis) as well as another pathogenic variant on the opposite allele (in trans) in patients with features of a congenital disorder of glycosylation in published literature (PMID: 15844218, 20638314, 25497157); Canonical splice site variant predicted to result in a null allele in a gene for which loss of function is a known mechanism of disease; Not observed at significant frequency in large population cohorts (gnomAD); This variant is associated with the following publications: (PMID: 34277356, 25497157, 20638314, 15844218)

Blueprint Genetics
Classification: Likely pathogenic for PMM2-related disorders. Last evaluated: 2024-04-11. Review status: criteria provided, single submitter. Criteria: ACMG Guidelines, 2015. Collection method: clinical testing. Allele origin: germline. Affected: yes. Observed: 3 variant alleles.

Fulgent Genetics
Classification: Likely pathogenic for PMM2-congenital disorder of glycosylation. Last evaluated: 2022-03-18. Review status: criteria provided, single submitter. Criteria: ACMG Guidelines, 2015. Collection method: clinical testing. Allele origin: unknown.

Women's Health and Genetics/Laboratory Corporation of America, LabCorp
Classification: Likely pathogenic for Congenital disorder of glycosylation, type Ia. Last evaluated: 2020-09-17. Review status: criteria provided, single submitter. Criteria: LabCorp Variant Classification Summary - May 2015. Collection method: clinical testing. Allele origin: germline.
Comment: Variant summary: PMM2 c.66+1G>T is located in a canonical splice-site and is predicted to affect mRNA splicing resulting in a significantly altered protein due to either exon skipping, shortening, or inclusion of intronic material. Several computational tools predict a significant impact on normal splicing: Four predict the variant abolishes a 5 splicing donor site. However, these predictions have yet to be confirmed by functional studies. The variant allele was found at a frequency of 1.4e-05 in 219708 control chromosomes (gnomAD). c.66+1G>T has been reported in the literature in individuals affected with Congenital Disorder Of Glycosylation Type 1a (Le Bizec_2005, Leticee_2010, Monin_2014). These data indicate that the variant may be associated with disease. To our knowledge, no experimental evidence demonstrating an impact on protein function has been reported. Two ClinVar submitters (evaluation after 2014) cite the variant as pathogenic/likely pathogenic. Based on the evidence outlined above, the variant was classified as likely pathogenic.

HudsonAlpha Institute for Biotechnology
Classification: Likely pathogenic for PMM2-congenital disorder of glycosylation. Last evaluated: 2019-07-03. Review status: criteria provided, single submitter. Criteria: ACMG Guidelines, 2015. Collection method: research. Allele origin: unknown. Affected: yes. Observed: 1 variant allele. Study: HudsonAlpha-PGEN.

Literature cited by the submitters: PubMed 20638314 (cited by 3 submitters); PubMed 25497157 (cited by Natera, Inc. and Women's Health and Genetics/Laboratory Corporation of America, LabCorp); PubMed 16199547 (cited by Labcorp Genetics (formerly Invitae), Labcorp); PubMed 19862844 (cited by Labcorp Genetics (formerly Invitae), Labcorp and Women's Health and Genetics/Laboratory Corporation of America, LabCorp); PubMed 15844218 (cited by Labcorp Genetics (formerly Invitae), Labcorp and Women's Health and Genetics/Laboratory Corporation of America, LabCorp).